The following is an entry in ClinVar:

ClinVar aggregate classification (germline): Uncertain significance (1 of 4 stars; one submission).

Conditions:
SCN2A-related disorder. Also called: SCN2A-related disorders; SCN2A-related condition. Identifiers: MedGen CN382226, MONDO:1060245.

Submission:

PreventionGenetics, part of Exact Sciences
Classification: Uncertain significance for SCN2A-related condition. Last evaluated: 2025-12-29. Review status: criteria provided, single submitter. Criteria: ACMG Guidelines, 2015. Collection method: clinical testing. Allele origin: germline.
Comment: The SCN2A c.2323T>C variant is predicted to result in the amino acid substitution p.Phe775Leu. To our knowledge, this variant has not been reported in the literature or in a large population database (gnomAD), indicating this variant is rare. At this time, the clinical significance of this variant is uncertain due to the absence of conclusive functional and genetic evidence.

NM_001040142.2(SCN2A):c.2323T>C (p.Phe775Leu)

Gene: SCN2A (sodium voltage-gated channel alpha subunit 2; plus strand). Cytogenetic location: 2q24.3.
Variant type: single nucleotide variant.
Coding change: c.2323T>C on transcript NM_001040142.2 (MANE Select); coding-DNA position 2323, T replaced by C.
Protein change: p.Phe775Leu; replaces phenylalanine 775 with leucine.
Molecular consequence: missense variant.
Genome position (GRCh38, 1-based): chr2:165,331,503, T>C. VCF-style: chr2-165331503-T-C. GRCh37 (hg19) VCF-style: chr2-166188013-T-C.
Other names: c.2323T>C, p.Phe775Leu (NM_001040143.2, NM_001371246.1, NM_001371247.1 and 1 more transcripts); short protein forms F775L.
Identifiers: ClinVar variation 4994328 (VCV004994328.1).
Genomic context (GRCh38, chr2:165,331,503, plus strand): 5'-GTTGTAATGGACCCATTTGTTGACCTGGCCATCACCATCTGCATTGTCTTAAATACACTC[T>C]TCATGGCTATGGAGCACTATCCCATGACGGAGCAGTTCAGCAGTGTACTGTCTGTTGGAA-3'
Protein context (NP_001035232.1, residues 765-785): ITICIVLNTL[Phe775Leu]MAMEHYPMTE